The following is an entry in ClinVar:

ClinVar aggregate classification (germline): Uncertain significance (1 of 4 stars; one submission).

Conditions:
Capillary malformation-arteriovenous malformation syndrome. Also called: Capillary malformation-arteriovenous malformation. Identifiers: Orphanet 137667, MedGen C1842180, MONDO:0012016.

Submission:

Labcorp Genetics (formerly Invitae), Labcorp
Classification: Uncertain significance for Capillary malformation-arteriovenous malformation syndrome. Last evaluated: 2024-05-29. Review status: criteria provided, single submitter. Criteria: Invitae Variant Classification Sherloc (09022015). Collection method: clinical testing. Allele origin: germline.
Comment: This sequence change replaces lysine, which is basic and polar, with glutamine, which is neutral and polar, at codon 727 of the RASA1 protein (p.Lys727Gln). This variant is not present in population databases (gnomAD no frequency). This variant has not been reported in the literature in individuals affected with RASA1-related conditions. An algorithm developed to predict the effect of missense changes on protein structure and function (PolyPhen-2) suggests that this variant is likely to be disruptive. In summary, the available evidence is currently insufficient to determine the role of this variant in disease. Therefore, it has been classified as a Variant of Uncertain Significance.

NM_002890.3(RASA1):c.2179A>C (p.Lys727Gln)

Genes: CCNH (cyclin H; minus strand), RASA1 (RAS p21 protein activator 1; plus strand). Cytogenetic location: 5q14.3.
Variant type: single nucleotide variant.
Coding change: c.2179A>C on transcript NM_002890.3 (MANE Select); coding-DNA position 2179, A replaced by C.
Protein change: p.Lys727Gln; replaces lysine 727 with glutamine.
Molecular consequence: missense variant. On other transcripts: intron variant (1).
Genome position (GRCh38, 1-based): chr5:87,376,560, A>C. VCF-style: chr5-87376560-A-C. GRCh37 (hg19) VCF-style: chr5-86672377-A-C.
Other names: c.1648A>C, p.Lys550Gln (NM_022650.3); c.933+18484T>G (NM_001364075.2); short protein forms K550Q, K727Q.
Identifiers: ClinVar variation 3685441 (VCV003685441.2).